The following is an entry in ClinVar:

NM_001105247.2(ARMC5):c.799C>T (p.Arg267Ter)

Gene: ARMC5 (armadillo repeat containing 5; plus strand). Cytogenetic location: 16p11.2.
Variant type: single nucleotide variant.
Coding change: c.799C>T on transcript NM_001105247.2 (MANE Select); coding-DNA position 799, C replaced by T.
Protein change: p.Arg267Ter; replaces arginine 267 with a stop codon.
Molecular consequence: nonsense.
Genome position (GRCh38, 1-based): chr16:31,462,346, C>T. VCF-style: chr16-31462346-C-T. GRCh37 (hg19) VCF-style: chr16-31473667-C-T.
Other names: c.1084C>T, p.Arg362Ter (NM_001288767.2); c.895C>T, p.Arg299Ter (NM_001301820.1); c.799C>T, p.Arg267Ter (NM_024742.2); short protein forms R267*, R362*, R299*.
Identifiers: ClinVar variation 144052 (VCV000144052.5), dbSNP rs369721476, ClinGen allele CA170613.

ClinVar aggregate classification (germline): Pathogenic/Likely pathogenic. Review status: criteria provided, multiple submitters, no conflicts (2 of 4 stars). 3 submissions from 3 submitters: Pathogenic (1); Likely pathogenic (1). 1 of the submissions does not count toward it. Last evaluated 2019-08-26.

Conditions:
ARMC5-related disorder. Also called: ARMC5-related condition.
ACTH-independent macronodular adrenal hyperplasia 2. Also called: PRIMARY MACRONODULAR ADRENAL HYPERPLASIA. Identifiers: Orphanet 189427, MedGen C4014803, MONDO:0014416, OMIM 615954.

Allele frequency attached by ClinVar (database versions not stated): gnomAD exomes below 0.00001; ExAC 0.00001; gnomAD 0.00001; TOPMed 0.00001; ESP Exome Variant Server 0.00008.
gnomAD v4.1: 15 of 1,610,430 alleles (0.00093%); highest among the groups gnomAD compares: African/African-American, 0.004%; no homozygotes.

Submissions (3):

Blueprint Genetics
Classification: Pathogenic for ARMC5-related disorders. Last evaluated: 2019-08-26. Review status: criteria provided, single submitter. Criteria: ACMG Guidelines, 2015. Collection method: clinical testing. Allele origin: germline. Affected: yes. Observed: 1 variant allele.

Juno Genomics, Hangzhou Juno Genomics, Inc
Classification: Likely pathogenic for ACTH-independent macronodular adrenal hyperplasia 2. Review status: criteria provided, single submitter. Criteria: ACMG Guidelines, 2015. Collection method: clinical testing. Allele origin: germline.
Comment: Null variant in a gene where loss of function (LOF) is a known mechanism of disease.;Absent from controls (or at extremely low frequency if recessive) in Genome Aggregation Database.

OMIM
Classification: Pathogenic for ACTH-INDEPENDENT MACRONODULAR ADRENAL HYPERPLASIA 2. Last evaluated: 2014-06-06. Review status: no assertion criteria provided. Collection method: literature only. Allele origin: unknown. Not counted in ClinVar's aggregate classification.

Literature cited by the submitters: PubMed 24283224 (cited by OMIM); PubMed 24905064 (cited by OMIM).